The following is an entry in ClinVar:

NM_001291415.2(KDM6A):c.4034+2dup

Gene: KDM6A (lysine demethylase 6A; plus strand). Cytogenetic location: Xp11.3.
Variant type: Duplication.
Coding change: c.4034+2dup on transcript NM_001291415.2 (MANE Select); the canonical splice donor site of the intron after coding-DNA position 4034, one base duplicated (T; older notation c.4034+2dupT).
Molecular consequence: splice donor variant.
Genome position (GRCh38, 1-based): chrX:45,090,866, T duplicated. VCF-style (leftmost placement, unchanged base first): chrX-45090865-G-GT. GRCh37 (hg19) VCF-style: chrX-44950110-G-GT.
Other names: c.4034+2dup (NM_001419809.1); c.3932+2dup (NM_001419810.1, NM_001419813.1); c.3878+2dup (NM_001419812.1, NM_021140.4); c.3776+2dup (NM_001419814.1, NM_001410742.1); c.3899+2dup (NM_001419811.1, NM_001291416.2); c.3743+2dup (NM_001291417.2); c.3641+2dup (NM_001419815.1, NM_001291418.2); c.2990+2dup (NM_001291421.2).
Identifiers: ClinVar variation 4999402 (VCV004999402.1).

ClinVar aggregate classification (germline): Uncertain significance (1 of 4 stars; one submission).

Conditions:
KDM6A-related disorder. Also called: KDM6A-related condition.

Submission:

PreventionGenetics, part of Exact Sciences
Classification: Uncertain significance for KDM6A-related condition. Last evaluated: 2025-02-13. Review status: criteria provided, single submitter. Criteria: ACMG Guidelines, 2015. Collection method: clinical testing. Allele origin: germline.
Comment: The KDM6A c.3878+2dupT variant is predicted to result in an intronic duplication. To our knowledge, this variant has not been reported in the literature or in a large population database (gnomAD), indicating this variant is rare. At this time, the clinical significance of this variant is uncertain due to the absence of conclusive functional and genetic evidence.